The following is an entry in ClinVar:

ClinVar aggregate classification (germline): Uncertain significance. Review status: criteria provided, multiple submitters, no conflicts (2 of 4 stars). 2 submissions from 2 submitters: Uncertain significance (2). Last evaluated 2022-01-30.

Conditions:
Charcot-Marie-Tooth disease type 2. Also called: Charcot-Marie-Tooth type 2. Identifiers: Orphanet 64746, MedGen C0270914, MONDO:0018993.

Allele frequency attached by ClinVar (database versions not stated): TOPMed 0.00002.

Submissions (2):

Ambry Genetics
Classification: Uncertain significance. Last evaluated: 2022-01-30. Review status: criteria provided, single submitter. Criteria: Ambry Variant Classification Scheme 2023. Collection method: clinical testing. Allele origin: germline.
Comment: The p.L1323R variant (also known as c.3968T>G), located in coding exon 36 of the KIF1B gene, results from a T to G substitution at nucleotide position 3968. The leucine at codon 1323 is replaced by arginine, an amino acid with dissimilar properties. This amino acid position is conserved. In addition, this alteration is predicted to be deleterious by in silico analysis. Since supporting evidence is limited at this time, the clinical significance of this alteration remains unclear.

Labcorp Genetics (formerly Invitae), Labcorp
Classification: Uncertain significance for Charcot-Marie-Tooth disease type 2. Last evaluated: 2019-09-23. Review status: criteria provided, single submitter. Criteria: Invitae Variant Classification Sherloc (09022015). Collection method: clinical testing. Allele origin: germline.
Comment: This sequence change replaces leucine with arginine at codon 1323 of the KIF1B protein (p.Leu1323Arg). The leucine residue is moderately conserved and there is a moderate physicochemical difference between leucine and arginine. This variant is not present in population databases (ExAC no frequency). This variant has not been reported in the literature in individuals with KIF1B-related conditions. Algorithms developed to predict the effect of missense changes on protein structure and function are either unavailable or do not agree on the potential impact of this missense change (SIFT: "Tolerated"; PolyPhen-2: "Possibly Damaging"; Align-GVGD: "Class C0"). In summary, the available evidence is currently insufficient to determine the role of this variant in disease. Therefore, it has been classified as a Variant of Uncertain Significance.

NM_001365951.3(KIF1B):c.4106T>G (p.Leu1369Arg)

Gene: KIF1B (kinesin family member 1B; plus strand). Cytogenetic location: 1p36.22.
Variant type: single nucleotide variant.
Coding change: c.4106T>G on transcript NM_001365951.3 (MANE Select); coding-DNA position 4106, T replaced by G.
Protein change: p.Leu1369Arg; replaces leucine 1369 with arginine.
Molecular consequence: missense variant.
Genome position (GRCh38, 1-based): chr1:10,360,979, T>G. VCF-style: chr1-10360979-T-G. GRCh37 (hg19) VCF-style: chr1-10421037-T-G.
Other names: c.4106T>G, p.Leu1369Arg (NM_001365952.1); c.3968T>G, p.Leu1323Arg (NM_015074.3); short protein forms L1369R, L1323R.
Identifiers: ClinVar variation 936209 (VCV000936209.12), dbSNP rs1339145498, ClinGen allele CA338316108.